The following is an entry in ClinVar:

ClinVar aggregate classification (germline): Uncertain significance. Review status: criteria provided, multiple submitters, no conflicts (2 of 4 stars). 4 submissions from 4 submitters: Uncertain significance (4). Last evaluated 2025-08-30.

Conditions:
Cardiovascular phenotype. Identifiers: MedGen CN230736.
Dilated cardiomyopathy 1KK (CMD1KK). Identifiers: Orphanet 154, Orphanet 75249, MedGen C3714995, MONDO:0014100, OMIM 615248.
MYPN-related myopathy (CMYO24). Also called: Nemaline myopathy 11, autosomal recessive. Identifiers: MedGen C4479186, MONDO:0015023, OMIM 617336.

Allele frequency attached by ClinVar (database versions not stated): TOPMed 0.00002.
gnomAD v4.1: 5 of 1,614,162 alleles (0.00031%); highest among the groups gnomAD compares: Middle Eastern, 0.017%; no homozygotes.

Submissions (4):

Ambry Genetics
Classification: Uncertain significance for Cardiovascular phenotype. Last evaluated: 2025-08-30. Review status: criteria provided, single submitter. Criteria: Ambry Variant Classification Scheme 2023. Collection method: clinical testing. Allele origin: germline.
Comment: The p.R34Q variant (also known as c.101G>A), located in coding exon 1 of the MYPN gene, results from a G to A substitution at nucleotide position 101. The arginine at codon 34 is replaced by glutamine, an amino acid with highly similar properties. This amino acid position is well conserved in available vertebrate species. In addition, the in silico prediction for this alteration is inconclusive. Since supporting evidence is limited at this time, the clinical significance of this alteration remains unclear.

Labcorp Genetics (formerly Invitae), Labcorp
Classification: Uncertain significance for Dilated cardiomyopathy 1KK. Last evaluated: 2022-04-03. Review status: criteria provided, single submitter. Criteria: Invitae Variant Classification Sherloc (09022015). Collection method: clinical testing. Allele origin: germline.
Comment: This sequence change replaces arginine, which is basic and polar, with glutamine, which is neutral and polar, at codon 34 of the MYPN protein (p.Arg34Gln). This variant is not present in population databases (gnomAD no frequency). This variant has not been reported in the literature in individuals affected with MYPN-related conditions. ClinVar contains an entry for this variant (Variation ID: 180450). Algorithms developed to predict the effect of missense changes on protein structure and function are either unavailable or do not agree on the potential impact of this missense change (SIFT: "Tolerated"; PolyPhen-2: "Probably Damaging"; Align-GVGD: "Class C0"). In summary, the available evidence is currently insufficient to determine the role of this variant in disease. Therefore, it has been classified as a Variant of Uncertain Significance.

Fulgent Genetics
Classification: Uncertain significance for Dilated cardiomyopathy 1KK; MYPN-related myopathy. Last evaluated: 2021-11-16. Review status: criteria provided, single submitter. Criteria: ACMG Guidelines, 2015. Collection method: clinical testing. Allele origin: unknown.

Blueprint Genetics
Classification: Uncertain significance. Last evaluated: 2021-09-30. Review status: criteria provided, single submitter. Criteria: ACMG Guidelines, 2015. Collection method: clinical testing. Allele origin: germline.

NM_032578.4(MYPN):c.101G>A (p.Arg34Gln)

Gene: MYPN (myopalladin; plus strand). Cytogenetic location: 10q21.3.
Variant type: single nucleotide variant.
Coding change: c.101G>A on transcript NM_032578.4 (MANE Select); coding-DNA position 101, G replaced by A.
Protein change: p.Arg34Gln; replaces arginine 34 with glutamine.
Molecular consequence: missense variant. On other transcripts: 5 prime UTR variant (1), non-coding transcript variant (1).
Genome position (GRCh38, 1-based): chr10:68,121,539, G>A. VCF-style: chr10-68121539-G-A. GRCh37 (hg19) VCF-style: chr10-69881296-G-A.
Other names: c.101G>A (NM_032578.2); c.101G>A, p.Arg34Gln (NM_001256267.2); c.-1022G>A (NM_001256268.2); short protein forms R34Q.
Identifiers: ClinVar variation 180450 (VCV000180450.8), dbSNP rs730880168, ClinGen allele CA346533.
Genomic context (GRCh38, chr10:68,121,539, plus strand): 5'-AGCTTCTAAGAGAGAGCTATTTAGCTGAAACCAGACATCGGGGAAACAATGAGAGGAGTC[G>A]AGCGGAGCCCTCCTCCAACCCTTGCCATTTCGGCAGTCCTTCTGGGGCCGCTGAAGGAGG-3'
Protein context (NP_115967.2, residues 24-44): TRHRGNNERS[Arg34Gln]AEPSSNPCHF